The following is an entry in ClinVar:

NM_001684.5(ATP2B4):c.2127A>T (p.Lys709Asn)

Gene: ATP2B4 (ATPase plasma membrane Ca2+ transporting 4; plus strand). Cytogenetic location: 1q32.1.
Variant type: single nucleotide variant.
Coding change: c.2127A>T on transcript NM_001684.5 (MANE Select); coding-DNA position 2127, A replaced by T.
Protein change: p.Lys709Asn; replaces lysine 709 with asparagine.
Molecular consequence: missense variant.
Genome position (GRCh38, 1-based): chr1:203,712,055, A>T. VCF-style: chr1-203712055-A-T. GRCh37 (hg19) VCF-style: chr1-203681183-A-T.
Other names: c.2127A>T, p.Lys709Asn (NM_001001396.3, NM_001365783.2, NM_001365784.2); short protein forms K709N.
Identifiers: ClinVar variation 4805162 (VCV004805162.1).

ClinVar aggregate classification (germline): Uncertain significance (1 of 4 stars; one submission).

gnomAD v4.1: 7 of 1,613,984 alleles (0.00043%); highest among the groups gnomAD compares: African/African-American, 0.0013%; no homozygotes.

Submission:

Labcorp Genetics (formerly Invitae), Labcorp
Classification: Uncertain significance. Last evaluated: 2025-05-27. Review status: criteria provided, single submitter. Criteria: Invitae Variant Classification Sherloc (09022015). Collection method: clinical testing. Allele origin: germline.
Comment: This sequence change replaces lysine, which is basic and polar, with asparagine, which is neutral and polar, at codon 709 of the ATP2B4 protein (p.Lys709Asn). This variant is not present in population databases (gnomAD no frequency). This variant has not been reported in the literature in individuals affected with ATP2B4-related conditions. Invitae Evidence Modeling of protein sequence and biophysical properties (such as structural, functional, and spatial information, amino acid conservation, physicochemical variation, residue mobility, and thermodynamic stability) indicates that this missense variant is not expected to disrupt ATP2B4 protein function with a negative predictive value of 80%. In summary, the available evidence is currently insufficient to determine the role of this variant in disease. Therefore, it has been classified as a Variant of Uncertain Significance.